The following is an entry in ClinVar:

NM_001374828.1(ARID1B):c.2083C>T (p.Pro695Ser)

Gene: ARID1B (AT-rich interaction domain 1B; plus strand). Cytogenetic location: 6q25.3.
Variant type: single nucleotide variant.
Coding change: c.2083C>T on transcript NM_001374828.1 (MANE Select); coding-DNA position 2083, C replaced by T.
Protein change: p.Pro695Ser; replaces proline 695 with serine.
Molecular consequence: missense variant.
Genome position (GRCh38, 1-based): chr6:156,901,472, C>T. VCF-style: chr6-156901472-C-T. GRCh37 (hg19) VCF-style: chr6-157222606-C-T.
Other names: c.1834C>T, p.Pro612Ser (NM_001346813.1); c.2122C>T, p.Pro708Ser (NM_001371656.1, NM_001374820.1); c.2083C>T, p.Pro695Ser (NM_017519.3); c.1873C>T, p.Pro625Ser (NM_020732.3); c.1660C>T, p.Pro554Ser (NM_175863.2); short protein forms P554S, P612S, P625S, P695S, P708S.
Identifiers: ClinVar variation 2059034 (VCV002059034.4), dbSNP rs1020266907, ClinGen allele CA150816962.
Genomic context (GRCh38, chr6:156,901,472, plus strand): 5'-TACTGCCAGCAGGGCCAACAGCCATATTACAGCCAGCAGCCGCAGCCCCCGCACCTCCCA[C>T]CCCAGGCGCAGTATCTGCCGTCCCAGTCCCAGCAGAGGTACCAGCCGCAGCAGGTGAGCA-3'
Protein context (NP_001361757.1, residues 685-705): SQQPQPPHLP[Pro695Ser]QAQYLPSQSQ

ClinVar aggregate classification (germline): Uncertain significance (1 of 4 stars; one submission).

Allele frequency attached by ClinVar (database versions not stated): gnomAD exomes below 0.00001.
gnomAD v4.1: 2 of 1,614,106 alleles (0.00012%); highest among the groups gnomAD compares: Non-Finnish European, 0.00017%; no homozygotes.

Submission:

Labcorp Genetics (formerly Invitae), Labcorp
Classification: Uncertain significance. Last evaluated: 2025-02-10. Review status: criteria provided, single submitter. Criteria: Invitae Variant Classification Sherloc (09022015). Collection method: clinical testing. Allele origin: germline.
Comment: This sequence change replaces proline, which is neutral and non-polar, with serine, which is neutral and polar, at codon 625 of the ARID1B protein (p.Pro625Ser). This variant is not present in population databases (gnomAD no frequency). This missense change has been observed in individual(s) with clinical features of ARID1B-related conditions (PMID: 37500730). ClinVar contains an entry for this variant (Variation ID: 2059034). Invitae Evidence Modeling of protein sequence and biophysical properties (such as structural, functional, and spatial information, amino acid conservation, physicochemical variation, residue mobility, and thermodynamic stability) indicates that this missense variant is not expected to disrupt ARID1B protein function with a negative predictive value of 95%. In summary, the available evidence is currently insufficient to determine the role of this variant in disease. Therefore, it has been classified as a Variant of Uncertain Significance.

Literature cited by the submitters: PubMed 37500730.